The following is an entry in ClinVar:

NM_000135.4(FANCA):c.648C>G (p.Cys216Trp)

Gene: FANCA (FA complementation group A; minus strand). Cytogenetic location: 16q24.3.
Variant type: single nucleotide variant.
Coding change: c.648C>G on transcript NM_000135.4 (MANE Select); coding-DNA position 648, C replaced by G.
Protein change: p.Cys216Trp; replaces cysteine 216 with tryptophan.
Molecular consequence: missense variant.
Genome position (GRCh38, 1-based): chr16:89,805,341, G>C on the plus strand (C>G on the coding strand, the complement: FANCA is on the minus strand). VCF-style: chr16-89805341-G-C. GRCh37 (hg19) VCF-style: chr16-89871749-G-C.
Other names: c.648C>G, p.Cys216Trp (NM_001018112.3, NM_001286167.3); c.552C>G, p.Cys184Trp (NM_001351830.2); short protein forms C184W, C216W.
Identifiers: ClinVar variation 4826927 (VCV004826927.1).
Genomic context (GRCh38, chr16:89,805,341, plus strand): 5'-AGAAAGCATGGCCCTGGCGACGTCAGCATGCTGGCAGGATGCTTCCATCTGTTCACAAAG[G>C]CAGCACAGATTCCTGAAGAGCCACGATCCCACAGCATGCATGTCGGGATGGCTGGAGACA-3'
Protein context (NP_000126.2, residues 206-226): VGSWLFRNLC[Cys216Trp]LCEQMEASCQ

ClinVar aggregate classification (germline): Uncertain significance (1 of 4 stars; one submission).

Conditions:
Inborn genetic diseases. Identifiers: MedGen C0950123, MeSH D030342.

Submission:

Ambry Genetics
Classification: Uncertain significance for Inborn genetic diseases. Last evaluated: 2026-03-12. Review status: criteria provided, single submitter. Criteria: Ambry Variant Classification Scheme 2023. Collection method: clinical testing. Allele origin: germline.
Comment: The p.C216W variant (also known as c.648C>G), located in coding exon 7 of the FANCA gene, results from a C to G substitution at nucleotide position 648. The cysteine at codon 216 is replaced by tryptophan, an amino acid with highly dissimilar properties. This amino acid position is conserved. In addition, this alteration is predicted to be tolerated by in silico analysis. Based on the available evidence, the clinical significance of this variant remains unclear.